The following is an entry in ClinVar:

ClinVar aggregate classification (germline): Likely benign. Review status: criteria provided, multiple submitters, no conflicts (2 of 4 stars). 4 submissions from 4 submitters: Likely benign (4). Last evaluated 2026-04-10.

Conditions:
Early-infantile DEE. Also called: Ohtahara syndrome; Early infantile epileptic encephalopathy with suppression bursts; Early infantile epileptic encephalopathy. Identifiers: Orphanet 1934, MedGen C0393706, MONDO:0800491.

Allele frequency attached by ClinVar (database versions not stated): gnomAD 0.00001; gnomAD exomes 0.00002; TOPMed 0.00002.
gnomAD v4.1: 39 of 1,611,084 alleles (0.0024%); highest among the groups gnomAD compares: South Asian, 0.0044%; no homozygotes.

Submissions (4):

Women's Health and Genetics/Laboratory Corporation of America, LabCorp
Classification: Likely benign. Last evaluated: 2026-04-10. Review status: criteria provided, single submitter. Criteria: LabCorp Variant Classification Summary - May 2015. Collection method: clinical testing. Allele origin: germline.

Labcorp Genetics (formerly Invitae), Labcorp
Classification: Likely benign for Early-infantile DEE. Last evaluated: 2025-12-21. Review status: criteria provided, single submitter. Criteria: Invitae Variant Classification Sherloc (09022015). Collection method: clinical testing. Allele origin: germline.

CeGaT Center for Human Genetics Tuebingen
Classification: Likely benign. Last evaluated: 2020-04-01. Review status: criteria provided, single submitter. Criteria: CeGaT Center For Human Genetics Tuebingen Variant Classification Criteria Version 2. Collection method: clinical testing. Allele origin: germline. Affected: yes. Observed: 1 variant allele.

GeneDx
Classification: Likely benign. Last evaluated: 2018-03-26. Review status: criteria provided, single submitter. Criteria: GeneDx Variant Classification (06012015). Collection method: clinical testing. Allele origin: germline. Affected: yes.
Comment: This variant is considered likely benign or benign based on one or more of the following criteria: it is a conservative change, it occurs at a poorly conserved position in the protein, it is predicted to be benign by multiple in silico algorithms, and/or has population frequency not consistent with disease.

NM_172107.4(KCNQ2):c.1290C>T (p.Pro430=)

Gene: KCNQ2 (potassium voltage-gated channel subfamily Q member 2; minus strand). Cytogenetic location: 20q13.33.
Variant type: single nucleotide variant.
Coding change: c.1290C>T on transcript NM_172107.4 (MANE Select); coding-DNA position 1290, C replaced by T.
Protein change: p.Pro430=; no amino-acid change (proline 430 retained).
Molecular consequence: synonymous variant. On other transcripts: intron variant (3).
Genome position (GRCh38, 1-based): chr20:63,419,630, G>A on the plus strand (C>T on the coding strand, the complement: KCNQ2 is on the minus strand). VCF-style: chr20-63419630-G-A. GRCh37 (hg19) VCF-style: chr20-62050983-G-A.
Other names: c.1218-4504C>T (NM_004518.6); c.1248-4540C>T (NM_172108.5); c.1248-4504C>T (NM_172106.3).
Identifiers: ClinVar variation 681119 (VCV000681119.49), dbSNP rs951436020, ClinGen allele CA317437106.